The following is an entry in ClinVar:

ClinVar aggregate classification (germline): Pathogenic. Review status: criteria provided, multiple submitters, no conflicts (2 of 4 stars). 4 submissions from 4 submitters: Pathogenic (4). Last evaluated 2024-10-17.

Conditions:
Macular corneal dystrophy (MCD). Also called: GROENOUW TYPE II CORNEAL DYSTROPHY; Macular corneal dystrophy Type I. Identifiers: Orphanet 98969, MedGen C1636149, MONDO:0009020, OMIM 217800.
CHST6-related disorder. Also called: CHST6-related condition.

Submissions (4):

PreventionGenetics, part of Exact Sciences
Classification: Pathogenic for CHST6-related condition. Last evaluated: 2024-10-17. Review status: criteria provided, single submitter. Criteria: ACMG Guidelines, 2015. Collection method: clinical testing. Allele origin: germline.
Comment: The CHST6 c.379C>T variant is predicted to result in the amino acid substitution p.Arg127Cys. This variant has been reported in the homozygous state in multiple individuals affected with macular corneal dystrophy, type 1 (Warren et al. 2003. PubMed ID: 14609920; Birgani et al. 2009. PubMed ID: 19223992; Safari et al. 2020. PubMed ID: 32472422). This variant has not been reported in a large population database (gnomAD), indicating this variant is rare. Based on the available evidence, this variant is interpreted as pathogenic.

Fulgent Genetics
Classification: Pathogenic for Macular corneal dystrophy. Last evaluated: 2024-04-09. Review status: criteria provided, single submitter. Criteria: ACMG Guidelines, 2015. Collection method: clinical testing. Allele origin: germline.

Women's Health and Genetics/Laboratory Corporation of America, LabCorp
Classification: Pathogenic for Macular corneal dystrophy. Last evaluated: 2023-07-24. Review status: criteria provided, single submitter. Criteria: LabCorp Variant Classification Summary - May 2015. Collection method: clinical testing. Allele origin: germline.
Comment: Variant summary: CHST6 c.379C>T (p.Arg127Cys) results in a non-conservative amino acid change located in the Sulfotransferase domain (IPR000863) of the encoded protein sequence. Five of five in-silico tools predict a damaging effect of the variant on protein function. The variant was absent in 248290 control chromosomes. c.379C>T has been reported in the literature in multiple homozygous individuals affected with Macular Corneal Dystrophy (Warren_2003, Birgani_2009). These data indicate that the variant is very likely to be associated with disease. To our knowledge, no experimental evidence demonstrating an impact on protein function has been reported. The following publications have been ascertained in the context of this evaluation (PMID: 19223992, 14609920). No submitters have cited clinical-significance assessments for this variant to ClinVar after 2014. Based on the evidence outlined above, the variant was classified as pathogenic.

Blueprint Genetics
Classification: Pathogenic for CHST6-related disorders. Last evaluated: 2022-02-01. Review status: criteria provided, single submitter. Criteria: ACMG Guidelines, 2015. Collection method: clinical testing. Allele origin: germline. Affected: yes. Observed: 1 variant allele.

Literature cited by the submitters: PubMed 19223992 (cited by Women's Health and Genetics/Laboratory Corporation of America, LabCorp); PubMed 14609920 (cited by Women's Health and Genetics/Laboratory Corporation of America, LabCorp).

NM_021615.5(CHST6):c.379C>T (p.Arg127Cys)

Gene: CHST6 (carbohydrate sulfotransferase 6; minus strand). Cytogenetic location: 16q23.1.
Variant type: single nucleotide variant.
Coding change: c.379C>T on transcript NM_021615.5 (MANE Select); coding-DNA position 379, C replaced by T.
Protein change: p.Arg127Cys; replaces arginine 127 with cysteine.
Molecular consequence: missense variant.
Genome position (GRCh38, 1-based): chr16:75,479,450, G>A on the plus strand (C>T on the coding strand, the complement: CHST6 is on the minus strand). VCF-style: chr16-75479450-G-A. GRCh37 (hg19) VCF-style: chr16-75513348-G-A.
Other names: short protein forms R127C.
Identifiers: ClinVar variation 2577141 (VCV002577141.4), dbSNP rs2507252174, ClinGen allele CA396792888.